The following is an entry in ClinVar:

NM_006766.5(KAT6A):c.214A>T (p.Lys72Ter)

Gene: KAT6A (lysine acetyltransferase 6A; minus strand). Cytogenetic location: 8p11.21.
Variant type: single nucleotide variant.
Coding change: c.214A>T on transcript NM_006766.5 (MANE Select); coding-DNA position 214, A replaced by T.
Protein change: p.Lys72Ter; replaces lysine 72 with a stop codon.
Molecular consequence: nonsense.
Genome position (GRCh38, 1-based): chr8:42,048,764, T>A on the plus strand (A>T on the coding strand, the complement: KAT6A is on the minus strand). VCF-style: chr8-42048764-T-A. GRCh37 (hg19) VCF-style: chr8-41906282-T-A.
Other names: c.214A>T, p.Lys72Ter (NM_001305878.2); short protein forms K72*.
Identifiers: ClinVar variation 2473862 (VCV002473862.2), dbSNP rs2487061977, ClinGen allele CA371175157.

ClinVar aggregate classification (germline): Pathogenic (1 of 4 stars; one submission).

Conditions:
Inborn genetic diseases. Identifiers: MedGen C0950123, MeSH D030342.

Submission:

Ambry Genetics
Classification: Pathogenic for Inborn genetic diseases. Last evaluated: 2023-02-17. Review status: criteria provided, single submitter. Criteria: Ambry Variant Classification Scheme 2023. Collection method: clinical testing. Allele origin: germline.
Comment: The c.214A>T (p.K72*) alteration, located in exon 2 (coding exon 1) of the KAT6A gene, consists of an A to T substitution at nucleotide position 214. This changes the amino acid from a lysine (K) to a stop codon at amino acid position 72. This alteration is expected to result in loss of function by premature protein truncation or nonsense-mediated mRNA decay. This variant was not reported in population-based cohorts in the Genome Aggregation Database (gnomAD). Based on the available evidence, this alteration is classified as pathogenic.